The following is an entry in ClinVar:

NM_001059.3(TACR3):c.1344C>T (p.Ser448=)

Genes: TACR3 (tachykinin receptor 3; minus strand), TACR3-AS1 (TACR3 antisense RNA 1; plus strand). Cytogenetic location: 4q24.
Variant type: single nucleotide variant.
Coding change: c.1344C>T on transcript NM_001059.3 (MANE Select); coding-DNA position 1344, C replaced by T.
Protein change: p.Ser448=; no amino-acid change (serine 448 retained).
Molecular consequence: synonymous variant.
Genome position (GRCh38, 1-based): chr4:103,589,736, G>A on the plus strand (C>T on the coding strand, the complement: TACR3 is on the minus strand). VCF-style: chr4-103589736-G-A. GRCh37 (hg19) VCF-style: chr4-104510893-G-A.
Identifiers: ClinVar variation 516718 (VCV000516718.15), dbSNP rs76121575, ClinGen allele CA3030901.

ClinVar aggregate classification (germline): Benign/Likely benign. Review status: criteria provided, multiple submitters, no conflicts (2 of 4 stars). 5 submissions from 5 submitters: Benign (3); Likely benign (2). Last evaluated 2025-06-27.

Conditions:
Hypogonadotropic hypogonadism 11 with or without anosmia (HH11). Also called: TACR3-Related GnRH Deficiency; HYPOGONADOTROPIC HYPOGONADISM 11 WITHOUT ANOSMIA. Identifiers: Orphanet 478, MedGen C3553844, MONDO:0013913, OMIM 614840.

Allele frequency attached by ClinVar (database versions not stated): ESP Exome Variant Server 0.00038; gnomAD 0.00160 and 0.00218; TOPMed 0.00251; ExAC 0.00424; gnomAD exomes 0.00443; 1000 Genomes Project 30x 0.00968; 1000 Genomes Project 0.01058.
gnomAD v4.1: 2,517 of 1,613,912 alleles (0.16%); highest among the groups gnomAD compares: East Asian, 4.8%; 63 homozygotes.

Submissions (5):

Labcorp Genetics (formerly Invitae), Labcorp
Classification: Benign. Last evaluated: 2025-06-27. Review status: criteria provided, single submitter. Criteria: Invitae Variant Classification Sherloc (09022015). Collection method: clinical testing. Allele origin: germline.

Athena Diagnostics
Classification: Benign. Last evaluated: 2024-06-28. Review status: criteria provided, single submitter. Criteria: Athena Diagnostics Criteria. Collection method: clinical testing. Allele origin: unknown.

Illumina Laboratory Services, Illumina
Classification: Likely benign for Hypogonadotropic hypogonadism 11 with or without anosmia. Last evaluated: 2018-01-13. Review status: criteria provided, single submitter. Criteria: ICSL Variant Classification Criteria 13 December 2019. Collection method: clinical testing. Allele origin: germline.
Comment: This variant was observed in the ICSL laboratory as part of a predisposition screen in an ostensibly healthy population. It had not been previously curated by ICSL or reported in the Human Gene Mutation Database (HGMD: prior to June 1st, 2018), and was therefore a candidate for classification through an automated scoring system. Utilizing variant allele frequency, disease prevalence and penetrance estimates, and inheritance mode, an automated score was calculated to assess if this variant is too frequent to cause the disease. Based on the score and internal cut-off values, a variant classified as likely benign is not then subjected to further curation. The score for this variant resulted in a classification of likely benign for this disease.

GeneDx
Classification: Benign. Last evaluated: 2017-08-04. Review status: criteria provided, single submitter. Criteria: GeneDx Variant Classification (06012015). Collection method: clinical testing. Allele origin: germline. Affected: yes.
Comment: This variant is considered likely benign or benign based on one or more of the following criteria: it is a conservative change, it occurs at a poorly conserved position in the protein, it is predicted to be benign by multiple in silico algorithms, and/or has population frequency not consistent with disease.

Breakthrough Genomics
Classification: Likely benign. Review status: criteria provided, single submitter. Criteria: ACMG Guidelines, 2015. Collection method: not provided. Allele origin: germline. Inheritance: Autosomal recessive inheritance. Affected: yes.